The following is an entry in ClinVar:

NC_000023.10:g.(?_32632410)_(33038327_?)dup

Genes: DMD (dystrophin; minus strand), MIR548F5 (microRNA 548f-5; minus strand). Cytogenetic location: Xp21.1.
Variant type: Duplication.
Identifiers: ClinVar variation 660673 (VCV000660673.3).

ClinVar aggregate classification (germline): Pathogenic (1 of 4 stars; one submission).

Conditions:
Duchenne muscular dystrophy (DMD). Also called: MUSCULAR DYSTROPHY, PSEUDOHYPERTROPHIC PROGRESSIVE, DUCHENNE TYPE; Duchenne Muscular Dystrophy (DMD). Identifiers: Orphanet 98896, MedGen C0013264, MONDO:0010679, OMIM 310200.

Submission:

Labcorp Genetics (formerly Invitae), Labcorp
Classification: Pathogenic for Duchenne muscular dystrophy. Last evaluated: 2019-07-07. Review status: criteria provided, single submitter. Criteria: Invitae Variant Classification Sherloc (09022015). Collection method: clinical testing. Allele origin: germline.
Comment: This variant results in a copy number gain of the genomic region encompassing exons 2-12 of the DMD gene. While the exact position of this variant cannot be determined from this data, sub-genic copy number gains are generally in tandem (PMID: 25640679) and may result in an absent or disrupted protein product. Copy number gains of exons 2-12 have been observed in individuals and families affected with DMD-related muscular dystrophy (PMID:¬†17259292, 19367636). Loss-of-function variants in DMD are known to be pathogenic (PMID: 16770791, 25007885). For these reasons, this variant has been classified as Pathogenic.

Literature cited by the submitters: PubMed 25640679; PubMed 16770791; PubMed 25007885.